The following is an entry in ClinVar:

ClinVar aggregate classification (germline): Uncertain significance (1 of 4 stars; one submission).

Conditions:
Lysinuric protein intolerance (LPI). Identifiers: Orphanet 470, MedGen C0268647, MONDO:0009109, OMIM 222700.

Allele frequency attached by ClinVar (database versions not stated): TOPMed below 0.00001; gnomAD 0.00001; gnomAD exomes 0.00002.

Submission:

Labcorp Genetics (formerly Invitae), Labcorp
Classification: Uncertain significance for Lysinuric protein intolerance. Last evaluated: 2022-10-12. Review status: criteria provided, single submitter. Criteria: Invitae Variant Classification Sherloc (09022015). Collection method: clinical testing. Allele origin: germline.
Comment: This sequence change replaces proline, which is neutral and non-polar, with leucine, which is neutral and non-polar, at codon 260 of the SLC7A7 protein (p.Pro260Leu). This variant is not present in population databases (gnomAD no frequency). This variant has not been reported in the literature in individuals affected with SLC7A7-related conditions. Algorithms developed to predict the effect of missense changes on protein structure and function are either unavailable or do not agree on the potential impact of this missense change (SIFT: "Deleterious"; PolyPhen-2: "Probably Damaging"; Align-GVGD: "Class C0"). In summary, the available evidence is currently insufficient to determine the role of this variant in disease. Therefore, it has been classified as a Variant of Uncertain Significance.

NM_003982.4(SLC7A7):c.779C>T (p.Pro260Leu)

Gene: SLC7A7 (solute carrier family 7 member 7; minus strand). Cytogenetic location: 14q11.2.
Variant type: single nucleotide variant.
Coding change: c.779C>T on transcript NM_003982.4 (MANE Select); coding-DNA position 779, C replaced by T.
Protein change: p.Pro260Leu; replaces proline 260 with leucine.
Molecular consequence: missense variant.
Genome position (GRCh38, 1-based): chr14:22,776,310, G>A on the plus strand (C>T on the coding strand, the complement: SLC7A7 is on the minus strand). VCF-style: chr14-22776310-G-A. GRCh37 (hg19) VCF-style: chr14-23245519-G-A.
Other names: c.779C>T, p.Pro260Leu (NM_001126105.3, NM_001126106.4); short protein forms P260L.
Identifiers: ClinVar variation 2141924 (VCV002141924.1), dbSNP rs1036084067, ClinGen allele CA257726548.